The following is an entry in ClinVar:

ClinVar aggregate classification (germline): Conflicting classifications of pathogenicity. Review status: criteria provided, conflicting classifications (1 of 4 stars). 4 submissions from 4 submitters: Uncertain significance (1); Benign (1); Likely benign (2). Last evaluated 2024-07-23.

Conditions:
Cardiomyopathy (CMYO). Also called: Cardiomyopathies. Identifiers: Orphanet 167848, MedGen C0878544, MONDO:0004994, HP:0001638. Inheritance: Various modes of inheritance.
Hypertrophic cardiomyopathy. Also called: HYPERTROPHIC MYOCARDIOPATHY. Identifiers: Orphanet 217569, MedGen C0007194, MeSH D002312, MONDO:0005045, HP:0001639.

Allele frequency attached by ClinVar (database versions not stated): gnomAD exomes 0.00001 and 0.00003; TOPMed 0.00001; ExAC 0.00002.
gnomAD v4.1: 18 of 1,613,942 alleles (0.0011%); highest among the groups gnomAD compares: South Asian, 0.0077%; no homozygotes.

Submissions (4):

All of Us Research Program, National Institutes of Health
Classification: Likely benign for Hypertrophic cardiomyopathy. Last evaluated: 2024-07-23. Review status: criteria provided, single submitter. Criteria: ACMG Guidelines, 2015. Collection method: clinical testing. Allele origin: germline. Inheritance: Autosomal dominant inheritance. Observed: 7 variant alleles, 7 heterozygotes.
Comment: This study involves interpretation of variants in research participants for the purpose of population health screening. Participant phenotype was not available at the time of variant classification. Additional details can be found in publication PMID: 35346344, PMCID: PMC8962531

CHEO Genetics Diagnostic Laboratory, Children's Hospital of Eastern Ontario
Classification: Uncertain significance for Cardiomyopathy. Last evaluated: 2020-01-23. Review status: criteria provided, single submitter. Criteria: ACMG Guidelines, 2015. Collection method: clinical testing. Allele origin: germline.

Color Diagnostics, LLC DBA Color Health
Classification: Likely benign for Cardiomyopathy. Last evaluated: 2019-07-11. Review status: criteria provided, single submitter. Criteria: ACMG Guidelines, 2015. Collection method: clinical testing. Allele origin: germline.

GeneDx
Classification: Benign. Last evaluated: 2015-03-03. Review status: criteria provided, single submitter. Criteria: GeneDx Variant Classification Process June 2021. Collection method: clinical testing. Allele origin: germline. Affected: yes.

NM_000363.5(TNNI3):c.-8G>A

Gene: TNNI3 (troponin I3, cardiac type; minus strand). Cytogenetic location: 19q13.42.
Variant type: single nucleotide variant.
Coding change: c.-8G>A on transcript NM_000363.5 (MANE Select); 8 bases upstream of the start codon, G replaced by A.
Molecular consequence: 5 prime UTR variant.
Genome position (GRCh38, 1-based): chr19:55,157,597, C>T on the plus strand (G>A on the coding strand, the complement: TNNI3 is on the minus strand). VCF-style: chr19-55157597-C-T. GRCh37 (hg19) VCF-style: chr19-55668965-C-T.
Identifiers: ClinVar variation 918199 (VCV000918199.9), dbSNP rs773513015, ClinGen allele CA051992.